The following is an entry in ClinVar:

NM_001379500.1(COL18A1):c.2485G>T (p.Ala829Ser)

Gene: COL18A1 (collagen type XVIII alpha 1 chain; plus strand). Cytogenetic location: 21q22.3.
Variant type: single nucleotide variant.
Coding change: c.2485G>T on transcript NM_001379500.1 (MANE Select); coding-DNA position 2485, G replaced by T.
Protein change: p.Ala829Ser; replaces alanine 829 with serine.
Molecular consequence: missense variant.
Genome position (GRCh38, 1-based): chr21:45,495,409, G>T. VCF-style: chr21-45495409-G-T. GRCh37 (hg19) VCF-style: chr21-46915323-G-T.
Other names: c.3025G>T, p.Ala1009Ser (NM_030582.4); c.3730G>T, p.Ala1244Ser (NM_130444.3); short protein forms A1009S, A1244S, A829S.
Identifiers: ClinVar variation 1000776 (VCV001000776.6), dbSNP rs2036496284, ClinGen allele CA410497834.

ClinVar aggregate classification (germline): Uncertain significance (1 of 4 stars; one submission).

Submission:

Labcorp Genetics (formerly Invitae), Labcorp
Classification: Uncertain significance. Last evaluated: 2020-09-05. Review status: criteria provided, single submitter. Criteria: Invitae Variant Classification Sherloc (09022015). Collection method: clinical testing. Allele origin: germline.
Comment: Experimental studies and prediction algorithms are not available or were not evaluated, and the functional significance of this variant is currently unknown. This sequence change replaces alanine with serine at codon 829 of the COL18A1 protein (p.Ala829Ser). The alanine residue is weakly conserved and there is a moderate physicochemical difference between alanine and serine. This variant is not present in population databases (ExAC no frequency). This variant has not been reported in the literature in individuals with COL18A1-related conditions. In summary, the available evidence is currently insufficient to determine the role of this variant in disease. Therefore, it has been classified as a Variant of Uncertain Significance.